The following is an entry in ClinVar:

NM_001876.4(CPT1A):c.668T>G (p.Leu223Ter)

Gene: CPT1A (carnitine palmitoyltransferase 1A; minus strand). Cytogenetic location: 11q13.3.
Variant type: single nucleotide variant.
Coding change: c.668T>G on transcript NM_001876.4 (MANE Select); coding-DNA position 668, T replaced by G.
Protein change: p.Leu223Ter; replaces leucine 223 with a stop codon.
Molecular consequence: nonsense.
Genome position (GRCh38, 1-based): chr11:68,799,243, A>C on the plus strand (T>G on the coding strand, the complement: CPT1A is on the minus strand). VCF-style: chr11-68799243-A-C. GRCh37 (hg19) VCF-style: chr11-68566711-A-C.
Other names: c.668T>G, p.Leu223Ter (NM_001031847.3); short protein forms L223*.
Identifiers: ClinVar variation 1378009 (VCV001378009.6), dbSNP rs2154000188, ClinGen allele CA381635225.
Genomic context (GRCh38, chr11:68,799,243, plus strand): 5'-AATTTCATCAAGAAAAACTGTGTATACAGACTTACGTAATTTGTAGCCCACCAGGATTTT[A>C]ACTTCAAATACCACTGTAATCTTGGTCCAAGACCGACAGCAAAATCTTGAGCAAGTGCTG-3'

ClinVar aggregate classification (germline): Pathogenic (1 of 4 stars; one submission).

Conditions:
Carnitine palmitoyl transferase 1A deficiency. Also called: CPT deficiency, hepatic, type IA; CPT I DEFICIENCY; CPT DEFICIENCY, HEPATIC, TYPE I; Carnitine palmitoyltransferase 1A deficiency; Carnitine palmitoyltransferase type I deficiency. Identifiers: Orphanet 156, MedGen C1829703, MONDO:0009705, OMIM 255120.

Submission:

Labcorp Genetics (formerly Invitae), Labcorp
Classification: Pathogenic for Carnitine palmitoyl transferase 1A deficiency. Last evaluated: 2021-08-29. Review status: criteria provided, single submitter. Criteria: Invitae Variant Classification Sherloc (09022015). Collection method: clinical testing. Allele origin: germline.
Comment: This sequence change creates a premature translational stop signal (p.Leu223*) in the CPT1A gene. It is expected to result in an absent or disrupted protein product. Loss-of-function variants in CPT1A are known to be pathogenic (PMID: 16169268). This variant is not present in population databases (ExAC no frequency). This variant has not been reported in the literature in individuals affected with CPT1A-related conditions. For these reasons, this variant has been classified as Pathogenic.

Literature cited by the submitters: PubMed 16169268.